The following is an entry in ClinVar:

ClinVar aggregate classification (germline): Pathogenic/Likely pathogenic. Review status: criteria provided, multiple submitters, no conflicts (2 of 4 stars). 5 submissions from 5 submitters: Pathogenic (3); Likely pathogenic (2). Last evaluated 2026-04-28.

Conditions:
MAK-related disorders.
MAK-related disorder. Also called: MAK-related condition.
Retinitis pigmentosa 62 (RP62). Identifiers: Orphanet 791, MedGen C3280042, MONDO:0013611, OMIM 614181.
Retinitis pigmentosa (RP). Identifiers: Orphanet 791, MedGen C0035334, MeSH D012174, MONDO:0019200, OMIM 268000. Inheritance: Autosomal dominant, autosomal recessive and X linked inheritance.

Allele frequency attached by ClinVar (database versions not stated): TOPMed 0.00002.
gnomAD v4.1: 31 of 1,613,896 alleles (0.0019%); highest among the groups gnomAD compares: Admixed American, 0.005%; no homozygotes.

Submissions (5):

Women's Health and Genetics/Laboratory Corporation of America, LabCorp
Classification: Pathogenic for Retinitis pigmentosa. Last evaluated: 2026-04-28. Review status: criteria provided, single submitter. Criteria: LabCorp Variant Classification Summary - May 2015. Collection method: clinical testing. Allele origin: germline.
Comment: Variant summary: MAK c.79G>A (p.Gly27Arg) results in a non-conservative amino acid change located in the Protein kinase domain (IPR000719) of the encoded protein sequence. Algorithms developed to predict the effect of missense changes on protein structure and function are either unavailable or do not agree on the potential impact of this missense change. The variant allele was found at a frequency of 2.4e-05 in 251134 control chromosomes. c.79G>A has been observed in individuals affected with Retinitis Pigmentosa (e.g. Colombo_2021, Ozgul_2011, vanHuet_2014). These data indicate that the variant is likely to be associated with disease. To our knowledge, no experimental evidence demonstrating an impact on protein function has been reported. A different variant affecting the same codon has been classified as likely pathogenic/pathogenic (c.79G>C, p.Gly27Arg), supporting the critical relevance of codon 27 to MAK protein function. The following publications have been ascertained in the context of this evaluation (PMID: 33576794, 21835304, 25385675). ClinVar contains an entry for this variant (Variation ID: 1039131). Based on the evidence outlined above, the variant was classified as pathogenic.

PreventionGenetics, part of Exact Sciences
Classification: Likely pathogenic for MAK-related condition. Last evaluated: 2026-02-23. Review status: criteria provided, single submitter. Criteria: ACMG Guidelines, 2015. Collection method: clinical testing. Allele origin: germline.
Comment: The MAK c.79G>A variant is predicted to result in the amino acid substitution p.Gly27Arg. This variant has been reported in the compound heterozygous and apparently homozygous states in individuals with retinitis pigmentosa (Table S4, Colombo et al. 2021. PubMed ID: 33576794; van Huet et al. 2014. PubMed ID: 25385675). This variant has also been reported in the heterozygous state in an individual with retinitis pigmentosa (van Huet et al. 2014. PubMed ID: 25385675); although a second MAK variant was not identified, RNA studies on the individual’s peripheral blood revealed that only the variant allele was expressed. This variant and RNA results segregated with another affected family member (van Huet et al. 2014. PubMed ID: 25385675). This variant is reported in 0.0065% of alleles in individuals of South Asian descent in gnomAD. This variant is interpreted as likely pathogenic.

Labcorp Genetics (formerly Invitae), Labcorp
Classification: Pathogenic. Last evaluated: 2025-09-04. Review status: criteria provided, single submitter. Criteria: Invitae Variant Classification Sherloc (09022015). Collection method: clinical testing. Allele origin: germline.
Comment: This sequence change replaces glycine, which is neutral and non-polar, with arginine, which is basic and polar, at codon 27 of the MAK protein (p.Gly27Arg). This variant is present in population databases (rs754916169, gnomAD 0.006%). This missense change has been observed in individual(s) with retinitis pigmentosa (PMID: 21835304, 25385675, 33576794). In at least one individual the data is consistent with being in trans (on the opposite chromosome) from a pathogenic variant. It has also been observed to segregate with disease in related individuals. ClinVar contains an entry for this variant (Variation ID: 1039131). Invitae Evidence Modeling of protein sequence and biophysical properties (such as structural, functional, and spatial information, amino acid conservation, physicochemical variation, residue mobility, and thermodynamic stability) indicates that this missense variant is expected to disrupt MAK protein function with a positive predictive value of 80%. For these reasons, this variant has been classified as Pathogenic.

Blueprint Genetics
Classification: Pathogenic for MAK-related disorders. Last evaluated: 2024-09-03. Review status: criteria provided, single submitter. Criteria: ACMG Guidelines, 2015. Collection method: clinical testing. Allele origin: germline. Affected: yes. Observed: 4 variant alleles.

Fulgent Genetics
Classification: Likely pathogenic for Retinitis pigmentosa 62. Last evaluated: 2024-05-12. Review status: criteria provided, single submitter. Criteria: ACMG Guidelines, 2015. Collection method: clinical testing. Allele origin: germline.

Literature cited by the submitters: PubMed 33576794 (cited by Women's Health and Genetics/Laboratory Corporation of America, LabCorp and Labcorp Genetics (formerly Invitae), Labcorp); PubMed 21835304 (cited by Women's Health and Genetics/Laboratory Corporation of America, LabCorp and Labcorp Genetics (formerly Invitae), Labcorp); PubMed 25385675 (cited by Women's Health and Genetics/Laboratory Corporation of America, LabCorp and Labcorp Genetics (formerly Invitae), Labcorp).

NM_001242957.3(MAK):c.79G>A (p.Gly27Arg)

Gene: MAK (male germ cell associated kinase; minus strand). Cytogenetic location: 6p24.2.
Variant type: single nucleotide variant.
Coding change: c.79G>A on transcript NM_001242957.3 (MANE Select); coding-DNA position 79, G replaced by A.
Protein change: p.Gly27Arg; replaces glycine 27 with arginine.
Molecular consequence: missense variant. On other transcripts: non-coding transcript variant (2), intron variant (1).
Genome position (GRCh38, 1-based): chr6:10,830,570, C>T on the plus strand (G>A on the coding strand, the complement: MAK is on the minus strand). VCF-style: chr6-10830570-C-T. GRCh37 (hg19) VCF-style: chr6-10830803-C-T.
Other names: c.79G>A (NM_001242957.2); c.79G>A, p.Gly27Arg (NM_001242385.2, NM_005906.6); c.-2+7933G>A (NM_001377262.1); short protein forms G27R.
Identifiers: ClinVar variation 1039131 (VCV001039131.12), dbSNP rs754916169, ClinGen allele CA3633840.